The following is an entry in ClinVar:

ClinVar aggregate classification (germline): Conflicting classifications of pathogenicity. Review status: criteria provided, conflicting classifications (1 of 4 stars). 4 submissions from 4 submitters: Uncertain significance (1); Likely benign (3). Last evaluated 2026-08-31.

Conditions:
NPHP4-related disorder. Also called: NPHP4-related disorders; NPHP4-related condition. Identifiers: MedGen CN239384.
Nephronophthisis. Also called: Juvenile Nephronophthisis. Identifiers: Orphanet 655, MedGen C0687120, MONDO:0019005, HP:0000090.

Allele frequency attached by ClinVar (database versions not stated): TOPMed below 0.00001; gnomAD exomes 0.00001; ExAC 0.00002; gnomAD 0.00002 and 0.00003.
gnomAD v4.1: 14 of 1,612,886 alleles (0.00087%); highest among the groups gnomAD compares: African/African-American, 0.0067%; no homozygotes.

Submissions (4):

PreventionGenetics, part of Exact Sciences
Classification: Likely benign for NPHP4-related condition. Last evaluated: 2026-08-31. Review status: criteria provided, single submitter. Criteria: ACMG Guidelines, 2015. Collection method: clinical testing. Allele origin: germline.
Comment: This variant is classified as likely benign based on ACMG/AMP sequence variant interpretation guidelines (Richards et al. 2015 PMID: 25741868, with internal and published modifications).

Labcorp Genetics (formerly Invitae), Labcorp
Classification: Likely benign for Nephronophthisis. Last evaluated: 2024-11-13. Review status: criteria provided, single submitter. Criteria: Invitae Variant Classification Sherloc (09022015). Collection method: clinical testing. Allele origin: germline.

Blueprint Genetics
Classification: Likely benign. Last evaluated: 2022-11-23. Review status: criteria provided, single submitter. Criteria: ACMG Guidelines, 2015. Collection method: clinical testing. Allele origin: germline.

Eurofins Ntd Llc (ga)
Classification: Uncertain significance. Last evaluated: 2016-12-05. Review status: criteria provided, single submitter. Criteria: EGL Classification Definitions 2015. Collection method: clinical testing. Allele origin: germline. Observed: 1 variant allele, 1 heterozygote.

NM_015102.5(NPHP4):c.3525C>T (p.Ser1175=)

Gene: NPHP4 (nephrocystin 4; minus strand). Cytogenetic location: 1p36.31.
Variant type: single nucleotide variant.
Coding change: c.3525C>T on transcript NM_015102.5 (MANE Select); coding-DNA position 3525, C replaced by T.
Protein change: p.Ser1175=; no amino-acid change (serine 1175 retained).
Molecular consequence: synonymous variant. On other transcripts: non-coding transcript variant (1).
Genome position (GRCh38, 1-based): chr1:5,867,063, G>A on the plus strand (C>T on the coding strand, the complement: NPHP4 is on the minus strand). VCF-style: chr1-5867063-G-A. GRCh37 (hg19) VCF-style: chr1-5927123-G-A.
Other names: c.1986C>T, p.Ser662= (NM_001291593.2); c.1989C>T, p.Ser663= (NM_001291594.2); c.3525C>T (NM_015102.4).
Identifiers: ClinVar variation 499075 (VCV000499075.15), dbSNP rs779230173, ClinGen allele CA553574.